The following is an entry in ClinVar:

NM_001291303.3(FAT4):c.12213+48A>G

Gene: FAT4 (FAT atypical cadherin 4; plus strand). Cytogenetic location: 4q28.1.
Variant type: single nucleotide variant.
Coding change: c.12213+48A>G on transcript NM_001291303.3 (MANE Select); 48 bases into the intron after coding-DNA position 12213, A replaced by G.
Molecular consequence: intron variant.
Genome position (GRCh38, 1-based): chr4:125,468,867, A>G. VCF-style: chr4-125468867-A-G. GRCh37 (hg19) VCF-style: chr4-126390022-A-G.
Other names: c.12213+48A>G (NM_001291285.3); c.12207+48A>G (NM_024582.6).
Identifiers: ClinVar variation 1290891 (VCV001290891.5), dbSNP rs34927272, ClinGen allele CA3074030.

ClinVar aggregate classification (germline): Benign. Review status: criteria provided, multiple submitters, no conflicts (2 of 4 stars). 3 submissions from 3 submitters: Benign (3). Last evaluated 2024-01-24.

Allele frequency attached by ClinVar (database versions not stated): 1000 Genomes Project 30x 0.33542; 1000 Genomes Project 0.34006; TOPMed 0.36970; gnomAD exomes 0.37207 and 0.39346; ExAC 0.37701; gnomAD 0.38311 and 0.38662; ESP Exome Variant Server 0.38880.
gnomAD v4.1: 603,276 of 1,537,594 alleles (39%); highest among the groups gnomAD compares: Non-Finnish European, 40%; 119,627 homozygotes.

Submissions (3):

Unidad de Genómica Garrahan, Hospital de Pediatría Garrahan
Classification: Benign. Last evaluated: 2024-01-24. Review status: criteria provided, single submitter. Criteria: ACMG Guidelines, 2015. Collection method: clinical testing. Allele origin: germline. Affected: no. Observed: 48 variant alleles.
Comment: This variant is classified as Benign based on local population frequency. This variant was detected in 51% of patients studied by a panel of primary immunodeficiencies. Number of patients: 48. Only high quality variants are reported.

GeneDx
Classification: Benign. Last evaluated: 2018-06-26. Review status: criteria provided, single submitter. Criteria: GeneDx Variant Classification Process June 2021. Collection method: clinical testing. Allele origin: germline. Affected: yes.

Breakthrough Genomics
Classification: Benign. Review status: criteria provided, single submitter. Criteria: ACMG Guidelines, 2015. Collection method: not provided. Allele origin: germline. Inheritance: Autosomal recessive inheritance. Affected: yes.